The following is an entry in ClinVar:

NM_001384732.1(CPLANE1):c.1755A>G (p.Ser585=)

Gene: CPLANE1 (ciliogenesis and planar polarity effector complex subunit 1; minus strand). Cytogenetic location: 5p13.2.
Variant type: single nucleotide variant.
Coding change: c.1755A>G on transcript NM_001384732.1 (MANE Select); coding-DNA position 1755, A replaced by G.
Protein change: p.Ser585=; no amino-acid change (serine 585 retained).
Molecular consequence: synonymous variant.
Genome position (GRCh38, 1-based): chr5:37,226,840, T>C on the plus strand (A>G on the coding strand, the complement: CPLANE1 is on the minus strand). VCF-style: chr5-37226840-T-C. GRCh37 (hg19) VCF-style: chr5-37226942-T-C.
Other names: c.1755A>G, p.Ser585= (NM_023073.4).
Identifiers: ClinVar variation 261667 (VCV000261667.48), dbSNP rs186970259, ClinGen allele CA3239076.
Genomic context (GRCh38, chr5:37,226,840, plus strand): 5'-AAAATGAGTGATACAAACTACTATGTAATTTAACATTAAATTTTTTTCTGTCACAGTTTT[T>C]GAAATTCCTATAGTCCACGCTGCAAGTAGACTTTTCTGGATAGAATGCAGTTCTGTAATG-3'
Protein context (NP_001371661.1, residues 575-595): SLLAAWTIGI[Ser585=]KTVTEKNLML

ClinVar aggregate classification (germline): Conflicting classifications of pathogenicity. Review status: criteria provided, conflicting classifications (1 of 4 stars). 8 submissions from 8 submitters: Uncertain significance (1); Likely benign (5). 2 of the submissions do not count toward it. Last evaluated 2026-02-03.

Conditions:
Joubert syndrome 17 (JBTS17). Identifiers: Orphanet 475, MedGen C3553264, MONDO:0013824, OMIM 614615.

Allele frequency attached by ClinVar (database versions not stated): 1000 Genomes Project 30x 0.00031; 1000 Genomes Project 0.00040; ExAC 0.00052; gnomAD exomes 0.00080 and 0.00119; TOPMed 0.00090; gnomAD 0.00107 and 0.00113; ESP Exome Variant Server 0.00131.
gnomAD v4.1: 1,812 of 1,550,844 alleles (0.12%); highest among the groups gnomAD compares: Admixed American, 0.21%; 1 homozygote.

Submissions (8):

Labcorp Genetics (formerly Invitae), Labcorp
Classification: Likely benign. Last evaluated: 2026-02-03. Review status: criteria provided, single submitter. Criteria: Invitae Variant Classification Sherloc (09022015). Collection method: clinical testing. Allele origin: germline.

CeGaT Center for Human Genetics Tuebingen
Classification: Likely benign. Last evaluated: 2025-01-01. Review status: criteria provided, single submitter. Criteria: CeGaT Center For Human Genetics Tuebingen Variant Classification Criteria Version 2. Collection method: clinical testing. Allele origin: germline. Affected: yes. Observed: 3 variant alleles.
Comment: CPLANE1: BP4

Blueprint Genetics
Classification: Likely benign. Last evaluated: 2024-11-17. Review status: criteria provided, single submitter. Criteria: ACMG Guidelines, 2015. Collection method: clinical testing. Allele origin: germline.

GeneDx
Classification: Likely benign. Last evaluated: 2021-01-19. Review status: criteria provided, single submitter. Criteria: GeneDx Variant Classification Process June 2021. Collection method: clinical testing. Allele origin: germline. Affected: yes.

Illumina Laboratory Services, Illumina
Classification: Uncertain significance for Joubert syndrome 17. Last evaluated: 2018-01-12. Review status: criteria provided, single submitter. Criteria: ICSL Variant Classification Criteria 13 December 2019. Collection method: clinical testing. Allele origin: germline.

PreventionGenetics, part of Exact Sciences
Classification: Likely benign. Review status: criteria provided, single submitter. Criteria: ACMG Guidelines, 2015. Collection method: clinical testing. Allele origin: germline.

Clinical Genetics DNA and cytogenetics Diagnostics Lab, Erasmus MC, Erasmus Medical Center
Classification: Likely benign. Review status: no assertion criteria provided. Collection method: clinical testing. Allele origin: germline. Affected: yes. Study: VKGL Data-share Consensus. Not counted in ClinVar's aggregate classification.

Genome Diagnostics Laboratory, University Medical Center Utrecht
Classification: Likely benign. Review status: no assertion criteria provided. Collection method: clinical testing. Allele origin: germline. Affected: yes. Study: VKGL Data-share Consensus. Not counted in ClinVar's aggregate classification.